The following is an entry in ClinVar:

NM_006258.4(PRKG1):c.1303_1313+6dup

Gene: PRKG1 (protein kinase cGMP-dependent 1; plus strand). Cytogenetic location: 10q21.1.
Variant type: Duplication.
Coding change: c.1303_1313+6dup on transcript NM_006258.4 (MANE Select); coding-DNA position 1303 through 6 bases into the intron after coding-DNA position 1313, 17 bases duplicated (TTCATAGTGAGGTAAAG).
Molecular consequence: splice donor variant.
Genome position (GRCh38, 1-based): chr10:52,271,479-52,271,495, TTCATAGTGAGGTAAAG duplicated. VCF-style (leftmost placement, unchanged base first): chr10-52271478-T-TTTCATAGTGAGGTAAAG. GRCh37 (hg19) VCF-style: chr10-54031238-T-TTTCATAGTGAGGTAAAG.
Other names: c.1258_1268+6dup (NM_001098512.3); c.94_104+6dup (NM_001374781.1).
Identifiers: ClinVar variation 4822375 (VCV004822375.4).
Genomic context (GRCh38, chr10:52,271,478, plus strand): 5'-CACAAGACAGCAGGAGCACATCCGCTCAGAGAAGCAGATCATGCAGGGGGCTCATTCCGA[T>TTTCATAGTGAGGTAAAG]TTCATAGTGAGGTAAAGGCTCCATGCCAGGGACAGACGTACCCAACTCCAAGTGACAAAT-3'

ClinVar aggregate classification (germline): Uncertain significance (1 of 4 stars; one submission).

Submission:

CeGaT Center for Human Genetics Tuebingen
Classification: Uncertain significance. Last evaluated: 2026-03-01. Review status: criteria provided, single submitter. Criteria: CeGaT Center For Human Genetics Tuebingen Variant Classification Criteria Version 2. Collection method: clinical testing. Allele origin: germline. Affected: yes. Observed: 1 variant allele.
Comment: PRKG1: PM2, PP3